The following is an entry in ClinVar:

ClinVar aggregate classification (germline): Uncertain significance. Review status: criteria provided, multiple submitters, no conflicts (2 of 4 stars). 2 submissions from 2 submitters: Uncertain significance (2). Last evaluated 2025-05-01.

Submissions (2):

CeGaT Center for Human Genetics Tuebingen
Classification: Uncertain significance. Last evaluated: 2025-05-01. Review status: criteria provided, single submitter. Criteria: CeGaT Center For Human Genetics Tuebingen Variant Classification Criteria Version 2. Collection method: clinical testing. Allele origin: germline. Affected: yes. Observed: 1 variant allele.
Comment: APOB: PM2, PVS1:Moderate

Blueprint Genetics
Classification: Uncertain significance. Last evaluated: 2022-01-05. Review status: criteria provided, single submitter. Criteria: ACMG Guidelines, 2015. Collection method: clinical testing. Allele origin: germline.

NM_000384.3(APOB):c.12973_12977del (p.Tyr4324_Leu4325insTer)

Gene: APOB (apolipoprotein B; minus strand). Cytogenetic location: 2p24.1.
Variant type: Microsatellite.
Coding change: c.12973_12977del on transcript NM_000384.3 (MANE Select); coding-DNA positions 12973 to 12977, 5 bases deleted (CTTAT; older notation c.12973_12977delCTTAT).
Protein change: p.Tyr4324_Leu4325insTer.
Molecular consequence: nonsense.
Genome position (GRCh38, 1-based): chr2:21,002,445-21,002,449, ATAAG deleted on the plus strand (CTTAT on the coding strand, the reverse complement: APOB is on the minus strand); deleting any 5 consecutive bases within chr2:21,002,445-21,002,454 gives the same sequence; the c. name uses the placement nearest the transcript's 3' end. VCF-style (leftmost placement, unchanged base first): chr2-21002444-AATAAG-A. GRCh37 (hg19) VCF-style: chr2-21225316-AATAAG-A.
Identifiers: ClinVar variation 3905872 (VCV003905872.11).
Genomic context (GRCh38, chr2:21,002,444, plus strand): 5'-TTTAAAAACATATGGGATATAATCACTGAAGATTGTGTTGATCTCATCTTGGATATAATT[AATAAG>A]ATAAGTAAATTTCATCTCTTTCAGCTGTTTAATGTTATCTTCTATTAGTTGGAAAATGAA-3'